The following is an entry in ClinVar:

ClinVar aggregate classification (germline): Likely benign (1 of 4 stars; one submission).

Allele frequency attached by ClinVar (database versions not stated): gnomAD exomes 0.00031; ExAC 0.00035; gnomAD 0.00054; ESP Exome Variant Server 0.00056; TOPMed 0.00068; 1000 Genomes Project 30x 0.00094; 1000 Genomes Project 0.00100.
gnomAD v4.1: 571 of 1,613,828 alleles (0.035%); highest among the groups gnomAD compares: Middle Eastern, 0.35%; 2 homozygotes.

Submission:

CeGaT Center for Human Genetics Tuebingen
Classification: Likely benign. Last evaluated: 2023-01-01. Review status: criteria provided, single submitter. Criteria: CeGaT Center For Human Genetics Tuebingen Variant Classification Criteria Version 2. Collection method: clinical testing. Allele origin: germline. Affected: yes. Observed: 1 variant allele.
Comment: FLYWCH1: BP4, BP7

NM_001308068.2(FLYWCH1):c.2124C>T (p.Asp708=)

Genes: FLYWCH1 (FLYWCH-type zinc finger 1; plus strand), FLYWCH1-AS1 (FLYWCH1 antisense RNA 1; minus strand). Cytogenetic location: 16p13.3.
Variant type: single nucleotide variant.
Coding change: c.2124C>T on transcript NM_001308068.2 (MANE Select); coding-DNA position 2124, C replaced by T.
Protein change: p.Asp708=; no amino-acid change (aspartic acid 708 retained).
Molecular consequence: synonymous variant.
Genome position (GRCh38, 1-based): chr16:2,948,700, C>T. VCF-style: chr16-2948700-C-T. GRCh37 (hg19) VCF-style: chr16-2998701-C-T.
Other names: c.2121C>T, p.Asp707= (NM_032296.3).
Identifiers: ClinVar variation 2646091 (VCV002646091.24), dbSNP rs201824742, ClinGen allele CA7852620.